The following is an entry in ClinVar:

NM_003640.5(ELP1):c.252_255del (p.Cys84fs)

Gene: ELP1 (elongator acetyltransferase complex subunit 1; minus strand). Cytogenetic location: 9q31.3.
Variant type: Microsatellite.
Coding change: c.252_255del on transcript NM_003640.5 (MANE Select); coding-DNA positions 252 to 255, 4 bases deleted (TGTG; older notation c.252_255delTGTG).
Protein change: p.Cys84fs; shifts the reading frame from cysteine 84.
Molecular consequence: frameshift variant. On other transcripts: 5 prime UTR variant (2).
Genome position (GRCh38, 1-based): chr9:108,929,817-108,929,820, CACA deleted on the plus strand (TGTG on the coding strand, the reverse complement: ELP1 is on the minus strand); deleting any 4 consecutive bases within chr9:108,929,817-108,929,826 gives the same sequence; the c. name uses the placement nearest the transcript's 3' end. VCF-style (leftmost placement, unchanged base first): chr9-108929816-CCACA-C. GRCh37 (hg19) VCF-style: chr9-111692096-CCACA-C.
Other names: c.-97TG[3] (NM_001318360.2); c.-614TG[3] (NM_001330749.2); short protein forms C84fs.
Identifiers: ClinVar variation 1725667 (VCV001725667.7), dbSNP rs1306800890, ClinGen allele CA1871351298.

ClinVar aggregate classification (germline): Pathogenic/Likely pathogenic. Review status: criteria provided, multiple submitters, no conflicts (2 of 4 stars). 2 submissions from 2 submitters: Pathogenic (1); Likely pathogenic (1). Last evaluated 2022-04-08.

Conditions:
Familial dysautonomia. Also called: HSAN III; FD. Identifiers: Orphanet 1764, MedGen C0013364, MONDO:0009131, OMIM 223900. Disease mechanism: loss of function.

Submissions (2):

Labcorp Genetics (formerly Invitae), Labcorp
Classification: Pathogenic. Last evaluated: 2022-04-08. Review status: criteria provided, single submitter. Criteria: Invitae Variant Classification Sherloc (09022015). Collection method: clinical testing. Allele origin: germline.
Comment: This variant has not been reported in the literature in individuals affected with ELP1-related conditions. For these reasons, this variant has been classified as Pathogenic. This variant is not present in population databases (gnomAD no frequency). This sequence change creates a premature translational stop signal (p.Cys84Trpfs*24) in the ELP1 gene. It is expected to result in an absent or disrupted protein product. Loss-of-function variants in ELP1 are known to be pathogenic (PMID: 18303054, 24173031).

Myriad Genetics, Inc.
Classification: Likely pathogenic for Familial dysautonomia. Last evaluated: 2021-12-05. Review status: criteria provided, single submitter. Criteria: Myriad Women's Health Autosomal Recessive and X-Linked Classification Criteria (2021). Collection method: clinical testing. Allele origin: unknown.
Comment: NM_003640.3(ELP1):c.252_255delTGTG(C84Wfs*24) is expected to be pathogenic in the context of familial dysautonomia. This variant is predicted to lead to an abnormal or absent protein product due to the creation of a premature termination codon in ELP1, a gene where loss-of-function variants are known to be pathogenic. Please note: this variant was assessed in the context of healthy population screening.

Literature cited by the submitters: PubMed 18303054 (cited by Labcorp Genetics (formerly Invitae), Labcorp); PubMed 24173031 (cited by Labcorp Genetics (formerly Invitae), Labcorp).